The following is an entry in ClinVar:

NM_002691.4(POLD1):c.196G>A (p.Ala66Thr)

Gene: POLD1 (DNA polymerase delta 1, catalytic subunit; plus strand). Cytogenetic location: 19q13.33.
Variant type: single nucleotide variant.
Coding change: c.196G>A on transcript NM_002691.4 (MANE Select); coding-DNA position 196, G replaced by A.
Protein change: p.Ala66Thr; replaces alanine 66 with threonine.
Molecular consequence: missense variant. On other transcripts: non-coding transcript variant (1).
Genome position (GRCh38, 1-based): chr19:50,399,047, G>A. VCF-style: chr19-50399047-G-A. GRCh37 (hg19) VCF-style: chr19-50902304-G-A.
Other names: c.196G>A, p.Ala66Thr (NM_001256849.1, NM_001308632.1); short protein forms A66T.
Identifiers: ClinVar variation 2752267 (VCV002752267.3), dbSNP rs2122197890, ClinGen allele CA406970352.

ClinVar aggregate classification (germline): Uncertain significance (1 of 4 stars; one submission).

Conditions:
POLD1-related polyposis and colorectal cancer syndrome (CRCS10). Also called: Colorectal cancer 10; Colorectal cancer, susceptibility to, 10; COLORECTAL CANCER, SUSCEPTIBILITY TO, ON CHROMOSOME 19q. Identifiers: Orphanet 220460, MedGen C2675481, MONDO:0012953, OMIM 612591.

Submission:

Labcorp Genetics (formerly Invitae), Labcorp
Classification: Uncertain significance for POLD1-related polyposis and colorectal cancer syndrome. Last evaluated: 2023-08-14. Review status: criteria provided, single submitter. Criteria: Invitae Variant Classification Sherloc (09022015). Collection method: clinical testing. Allele origin: germline.
Comment: In summary, the available evidence is currently insufficient to determine the role of this variant in disease. Therefore, it has been classified as a Variant of Uncertain Significance. Advanced modeling of protein sequence and biophysical properties (such as structural, functional, and spatial information, amino acid conservation, physicochemical variation, residue mobility, and thermodynamic stability) performed at Invitae indicates that this missense variant is not expected to disrupt POLD1 protein function. This variant has not been reported in the literature in individuals affected with POLD1-related conditions. This variant is not present in population databases (gnomAD no frequency). This sequence change replaces alanine, which is neutral and non-polar, with threonine, which is neutral and polar, at codon 66 of the POLD1 protein (p.Ala66Thr).